The following is an entry in ClinVar:

ClinVar aggregate classification (germline): Uncertain significance. Review status: criteria provided, multiple submitters, no conflicts (2 of 4 stars). 2 submissions from 2 submitters: Uncertain significance (2). Last evaluated 2024-08-07.

Conditions:
RASopathy. Also called: Noonan spectrum disorder; rasopathies. Identifiers: Orphanet 536391, MedGen C5555857, MONDO:0021060.
Cardiovascular phenotype. Identifiers: MedGen CN230736.

gnomAD v4.1: 4 of 1,554,496 alleles (0.00026%); highest among the groups gnomAD compares: Non-Finnish European, 0.00035%; no homozygotes.

Submissions (2):

Ambry Genetics
Classification: Uncertain significance for Cardiovascular phenotype. Last evaluated: 2024-08-07. Review status: criteria provided, single submitter. Criteria: Ambry Variant Classification Scheme 2023. Collection method: clinical testing. Allele origin: germline.
Comment: The p.N390K variant (also known as c.1170C>G), located in coding exon 11 of the MAP2K2 gene, results from a C to G substitution at nucleotide position 1170. The asparagine at codon 390 is replaced by lysine, an amino acid with similar properties. This amino acid position is conserved. In addition, this alteration is predicted to be tolerated by in silico analysis. Based on the available evidence, the clinical significance of this variant remains unclear.

Labcorp Genetics (formerly Invitae), Labcorp
Classification: Uncertain significance for RASopathy. Last evaluated: 2022-02-23. Review status: criteria provided, single submitter. Criteria: Invitae Variant Classification Sherloc (09022015). Collection method: clinical testing. Allele origin: germline.
Comment: In summary, the available evidence is currently insufficient to determine the role of this variant in disease. Therefore, it has been classified as a Variant of Uncertain Significance. Advanced modeling of protein sequence and biophysical properties (such as structural, functional, and spatial information, amino acid conservation, physicochemical variation, residue mobility, and thermodynamic stability) performed at Invitae indicates that this missense variant is not expected to disrupt MAP2K2 protein function. This sequence change replaces asparagine, which is neutral and polar, with lysine, which is basic and polar, at codon 390 of the MAP2K2 protein (p.Asn390Lys). This variant is not present in population databases (gnomAD no frequency). This variant has not been reported in the literature in individuals affected with MAP2K2-related conditions.

NM_030662.4(MAP2K2):c.1170C>G (p.Asn390Lys)

Gene: MAP2K2 (mitogen-activated protein kinase kinase 2; minus strand). Cytogenetic location: 19p13.3.
Variant type: single nucleotide variant.
Coding change: c.1170C>G on transcript NM_030662.4 (MANE Select); coding-DNA position 1170, C replaced by G.
Protein change: p.Asn390Lys; replaces asparagine 390 with lysine.
Molecular consequence: missense variant.
Genome position (GRCh38, 1-based): chr19:4,090,631, G>C on the plus strand (C>G on the coding strand, the complement: MAP2K2 is on the minus strand). VCF-style: chr19-4090631-G-C. GRCh37 (hg19) VCF-style: chr19-4090629-G-C.
Other names: short protein forms N390K.
Identifiers: ClinVar variation 2158666 (VCV002158666.5), dbSNP rs1254414731, ClinGen allele CA403380788.